The following is an entry in ClinVar:

NM_004655.4(AXIN2):c.2273C>A (p.Ala758Glu)

Gene: AXIN2 (axin 2; minus strand). Cytogenetic location: 17q24.1.
Variant type: single nucleotide variant.
Coding change: c.2273C>A on transcript NM_004655.4 (MANE Select); coding-DNA position 2273, C replaced by A.
Protein change: p.Ala758Glu; replaces alanine 758 with glutamic acid.
Molecular consequence: missense variant.
Genome position (GRCh38, 1-based): chr17:65,534,044, G>T on the plus strand (C>A on the coding strand, the complement: AXIN2 is on the minus strand). VCF-style: chr17-65534044-G-T. GRCh37 (hg19) VCF-style: chr17-63530162-G-T.
Other names: c.2078C>A, p.Ala693Glu (NM_001363813.1); short protein forms A693E, A758E.
Identifiers: ClinVar variation 3813644 (VCV003813644.1).

ClinVar aggregate classification (germline): Uncertain significance (1 of 4 stars; one submission).

Conditions:
Hereditary cancer-predisposing syndrome. Also called: Hereditary neoplastic syndrome; Neoplastic Syndromes, Hereditary; Tumor predisposition; Hereditary Cancer Syndrome. Identifiers: Orphanet 140162, MedGen C0027672, MeSH D009386, MONDO:0015356.

Submission:

Ambry Genetics
Classification: Uncertain significance for Hereditary cancer-predisposing syndrome. Last evaluated: 2025-01-11. Review status: criteria provided, single submitter. Criteria: Ambry Variant Classification Scheme 2023. Collection method: clinical testing. Allele origin: germline.
Comment: The p.A758E variant (also known as c.2273C>A), located in coding exon 9 of the AXIN2 gene, results from a C to A substitution at nucleotide position 2273. The alanine at codon 758 is replaced by glutamic acid, an amino acid with dissimilar properties. This amino acid position is conserved. In addition, this alteration is predicted to be tolerated by in silico analysis. Based on the available evidence, the clinical significance of this variant remains unclear.